The following is an entry in ClinVar:

ClinVar aggregate classification (germline): Benign/Likely benign. Review status: criteria provided, multiple submitters, no conflicts (2 of 4 stars). 8 submissions from 8 submitters: Benign (3); Likely benign (4). 1 of the submissions does not count toward it. Last evaluated 2026-01-31.

Conditions:
Alport syndrome. Also called: Hemorrhagic familial nephritis; Hemorrhagic hereditary nephritis; Congenital hereditary hematuria. Identifiers: Orphanet 63, MedGen C1567741, MONDO:0018965.

Allele frequency attached by ClinVar (database versions not stated): gnomAD exomes 0.00030 and 0.00081; ExAC 0.00095; gnomAD 0.00320 and 0.00341; TOPMed 0.00374; 1000 Genomes Project 30x 0.00375; ESP Exome Variant Server 0.00379; 1000 Genomes Project 0.00399.
gnomAD v4.1: 948 of 1,613,806 alleles (0.059%); highest among the groups gnomAD compares: African/African-American, 1.1%; 5 homozygotes.

Submissions (8):

Labcorp Genetics (formerly Invitae), Labcorp
Classification: Benign. Last evaluated: 2026-01-31. Review status: criteria provided, single submitter. Criteria: Invitae Variant Classification Sherloc (09022015). Collection method: clinical testing. Allele origin: germline.

Blueprint Genetics
Classification: Likely benign. Last evaluated: 2024-11-25. Review status: criteria provided, single submitter. Criteria: ACMG Guidelines, 2015. Collection method: clinical testing. Allele origin: germline.

GeneDx
Classification: Benign. Last evaluated: 2019-08-01. Review status: criteria provided, single submitter. Criteria: GeneDx Variant Classification Process June 2021. Collection method: clinical testing. Allele origin: germline. Affected: yes.

Athena Diagnostics
Classification: Benign. Last evaluated: 2019-06-24. Review status: criteria provided, single submitter. Criteria: Athena Diagnostics Criteria. Collection method: clinical testing. Allele origin: germline.

Illumina Laboratory Services, Illumina
Classification: Likely benign for Alport syndrome. Last evaluated: 2018-01-13. Review status: criteria provided, single submitter. Criteria: ICSL Variant Classification Criteria 13 December 2019. Collection method: clinical testing. Allele origin: germline.
Comment: This variant was observed in the ICSL laboratory as part of a predisposition screen in an ostensibly healthy population. It had not been previously curated by ICSL or reported in the Human Gene Mutation Database (HGMD: prior to June 1st, 2018), and was therefore a candidate for classification through an automated scoring system. Utilizing variant allele frequency, disease prevalence and penetrance estimates, and inheritance mode, an automated score was calculated to assess if this variant is too frequent to cause the disease. Based on the score and internal cut-off values, a variant classified as likely benign is not then subjected to further curation. The score for this variant resulted in a classification of likely benign for this disease.

Laboratory for Molecular Medicine, Mass General Brigham Personalized Medicine
Classification: Likely benign. Last evaluated: 2016-03-21. Review status: criteria provided, single submitter. Criteria: LMM Criteria. Collection method: clinical testing. Allele origin: germline. Observed: 1 variant allele.
Comment: p.Lys17Arg in exon 2 of COL4A4: This variant is not expected to have clinical si gnificance because it has been identified in 1.13% (111/9798) of African chromos omes by the Exome Aggregation Consortium (ExAC; dbSNP rs114969026).

Breakthrough Genomics
Classification: Likely benign. Review status: criteria provided, single submitter. Criteria: ACMG Guidelines, 2015. Collection method: not provided. Allele origin: germline. Inheritance: Autosomal recessive inheritance. Affected: yes.

Natera, Inc.
Classification: Benign for Alport syndrome. Last evaluated: 2019-10-28. Review status: no assertion criteria provided. Collection method: clinical testing. Allele origin: germline. Not counted in ClinVar's aggregate classification.

NM_000092.5(COL4A4):c.50A>G (p.Lys17Arg)

Gene: COL4A4 (collagen type IV alpha 4 chain; minus strand). Cytogenetic location: 2q36.3.
Variant type: single nucleotide variant.
Coding change: c.50A>G on transcript NM_000092.5 (MANE Select); coding-DNA position 50, A replaced by G.
Protein change: p.Lys17Arg; replaces lysine 17 with arginine.
Molecular consequence: missense variant.
Genome position (GRCh38, 1-based): chr2:227,147,434, T>C on the plus strand (A>G on the coding strand, the complement: COL4A4 is on the minus strand). VCF-style: chr2-227147434-T-C. GRCh37 (hg19) VCF-style: chr2-228012150-T-C.
Other names: short protein forms K17R.
Identifiers: ClinVar variation 421367 (VCV000421367.24), dbSNP rs114969026, ClinGen allele CA2145860.